The following is an entry in ClinVar:

NM_001278716.2(FBXL4):c.727del (p.Asp242_Met243insTer)

Gene: FBXL4 (F-box and leucine rich repeat protein 4; minus strand). Cytogenetic location: 6q16.2.
Variant type: Deletion.
Coding change: c.727del on transcript NM_001278716.2 (MANE Select); coding-DNA position 727, one base deleted (A; older notation c.727delA).
Protein change: p.Asp242_Met243insTer.
Molecular consequence: nonsense.
Genome position (GRCh38, 1-based): chr6:98,917,505, T deleted on the plus strand (A on the coding strand, the reverse complement: FBXL4 is on the minus strand). VCF-style (leftmost placement, unchanged base first): chr6-98917504-AT-A. GRCh37 (hg19) VCF-style: chr6-99365380-AT-A.
Other names: c.727del, p.Asp242_Met243insTer (NM_012160.5).
Identifiers: ClinVar variation 4722807 (VCV004722807.1).

ClinVar aggregate classification (germline): Pathogenic (1 of 4 stars; one submission).

Submission:

Labcorp Genetics (formerly Invitae), Labcorp
Classification: Pathogenic. Last evaluated: 2025-08-12. Review status: criteria provided, single submitter. Criteria: Invitae Variant Classification Sherloc (09022015). Collection method: clinical testing. Allele origin: germline.
Comment: This sequence change creates a premature translational stop signal (p.Met243*) in the FBXL4 gene. It is expected to result in an absent or disrupted protein product. Loss-of-function variants in FBXL4 are known to be pathogenic (PMID: 23993193, 23993194, 25868664). This variant is not present in population databases (gnomAD no frequency). This variant has not been reported in the literature in individuals affected with FBXL4-related conditions. Algorithms developed to predict the effect of sequence changes on RNA splicing suggest that this variant may disrupt the consensus splice site. For these reasons, this variant has been classified as Pathogenic.

Literature cited by the submitters: PubMed 23993193; PubMed 23993194; PubMed 25868664.